The following is an entry in ClinVar:

ClinVar aggregate classification (germline): Uncertain significance. Review status: criteria provided, multiple submitters, no conflicts (2 of 4 stars). 2 submissions from 2 submitters: Uncertain significance (2). Last evaluated 2025-11-11.

Conditions:
Hereditary nonpolyposis colorectal neoplasms. Identifiers: MedGen C0009405, MeSH D003123.
Hereditary cancer-predisposing syndrome. Also called: Hereditary neoplastic syndrome; Hereditary Cancer Syndrome; Neoplastic Syndromes, Hereditary; Tumor predisposition. Identifiers: Orphanet 140162, MedGen C0027672, MeSH D009386, MONDO:0015356.

Allele frequency attached by ClinVar (database versions not stated): gnomAD exomes below 0.00001.
gnomAD v4.1: 2 of 1,609,746 alleles (0.00012%); highest among the groups gnomAD compares: Non-Finnish European, 0.00017%; no homozygotes.

Submissions (2):

Labcorp Genetics (formerly Invitae), Labcorp
Classification: Uncertain significance for Hereditary nonpolyposis colorectal neoplasms. Last evaluated: 2025-11-11. Review status: criteria provided, single submitter. Criteria: Invitae Variant Classification Sherloc (09022015). Collection method: clinical testing. Allele origin: germline.
Comment: This sequence change replaces serine, which is neutral and polar, with glycine, which is neutral and non-polar, at codon 1188 of the MSH6 protein (p.Ser1188Gly). This variant is not present in population databases (gnomAD no frequency). This variant has not been reported in the literature in individuals affected with MSH6-related conditions. ClinVar contains an entry for this variant (Variation ID: 2567484). Invitae Evidence Modeling of protein sequence and biophysical properties (such as structural, functional, and spatial information, amino acid conservation, physicochemical variation, residue mobility, and thermodynamic stability) has been performed for this missense variant. However, the output from this modeling did not meet the statistical confidence thresholds required to predict the impact of this variant on MSH6 protein function. In summary, the available evidence is currently insufficient to determine the role of this variant in disease. Therefore, it has been classified as a Variant of Uncertain Significance.

Ambry Genetics
Classification: Uncertain significance for Hereditary cancer-predisposing syndrome. Last evaluated: 2023-06-04. Review status: criteria provided, single submitter. Criteria: Ambry Variant Classification Scheme 2023. Collection method: clinical testing. Allele origin: germline.
Comment: The p.S1188G variant (also known as c.3562A>G), located in coding exon 7 of the MSH6 gene, results from an A to G substitution at nucleotide position 3562. The serine at codon 1188 is replaced by glycine, an amino acid with similar properties. This amino acid position is highly conserved in available vertebrate species. In addition, this alteration is predicted to be deleterious by in silico analysis. Since supporting evidence is limited at this time, the clinical significance of this alteration remains unclear.

NM_000179.3(MSH6):c.3562A>G (p.Ser1188Gly)

Gene: MSH6 (mutS homolog 6; plus strand). Cytogenetic location: 2p16.3.
Variant type: single nucleotide variant.
Coding change: c.3562A>G on transcript NM_000179.3 (MANE Select); coding-DNA position 3562, A replaced by G.
Protein change: p.Ser1188Gly; replaces serine 1188 with glycine.
Molecular consequence: missense variant. On other transcripts: non-coding transcript variant (5).
Genome position (GRCh38, 1-based): chr2:47,805,623, A>G. VCF-style: chr2-47805623-A-G. GRCh37 (hg19) VCF-style: chr2-48032762-A-G.
Other names: c.3172A>G, p.Ser1058Gly (NM_001281492.2); c.2656A>G, p.Ser886Gly (NM_001281493.2, NM_001281494.2, NM_001406811.1 and 6 more transcripts); c.3658A>G, p.Ser1220Gly (NM_001406795.1, NM_001406802.1); c.3562A>G, p.Ser1188Gly (NM_001406796.1, NM_001406800.1, NM_001406808.1 and 1 more transcripts); c.3265A>G, p.Ser1089Gly (NM_001406797.1, NM_001406801.1, NM_001406805.1 and 10 more transcripts); c.3388A>G, p.Ser1130Gly (NM_001406798.1); c.3037A>G, p.Ser1013Gly (NM_001406799.1, NM_001406806.1, NM_001406807.1); c.2698A>G, p.Ser900Gly (NM_001406803.1); and 7 more; short protein forms S900G, S1058G, S503G, S666G, S1089G, S115G, S1162G, S1188G.
Identifiers: ClinVar variation 2567484 (VCV002567484.3), dbSNP rs2104522061, ClinGen allele CA346760427.
Genomic context (GRCh38, chr2:47,805,623, plus strand): 5'-TTATGTAATATGATTTGCAAAATGAGTATTCATTTGTGATTTTTTTTTTTTTAAGGTGAA[A>G]GTACATTTTTTGTTGAATTAAGTGAAACTGCCAGCATACTCATGCATGCAACAGCACATT-3'
Protein context (NP_000170.1, residues 1178-1198): GASDRIMSGE[Ser1188Gly]TFFVELSETA